The following is an entry in ClinVar:

ClinVar aggregate classification (germline): Uncertain significance (1 of 4 stars; one submission).

Conditions:
SHORT syndrome. Also called: LIPODYSTROPHY, PARTIAL, WITH RIEGER ANOMALY AND SHORT STATURE; PIK3R1-Related SHORT Syndrome; SHORT STATURE, HYPEREXTENSIBILITY, HERNIA, OCULAR DEPRESSION, RIEGER ANOMALY, AND TEETHING DELAY. Identifiers: Orphanet 3163, MedGen C0878684, MONDO:0010026, OMIM 269880.
Agammaglobulinemia 7, autosomal recessive (AGM7). Also called: AGAMMAGLOBULINEMIA, AUTOSOMAL RECESSIVE, DUE TO PIK3R1 DEFECT. Identifiers: MedGen C3554689, MONDO:0014083, OMIM 615214.
Immunodeficiency 36 with lymphoproliferation. Also called: Immunodeficiency 36; ACTIVATED PI3K-DELTA SYNDROME 2; Activated PI3K Delta Syndrome Type 2 (APDS2). Identifiers: Orphanet 397596, Orphanet 693681, MedGen C4014934, MONDO:0014453, OMIM 616005.

Allele frequency attached by ClinVar (database versions not stated): gnomAD exomes below 0.00001; gnomAD 0.00001.
gnomAD v4.1: 3 of 1,613,568 alleles (0.00019%); highest among the groups gnomAD compares: Non-Finnish European, 0.00025%; no homozygotes.

Submission:

Labcorp Genetics (formerly Invitae), Labcorp
Classification: Uncertain significance for SHORT syndrome; Immunodeficiency 36 with lymphoproliferation; Agammaglobulinemia 7, autosomal recessive. Last evaluated: 2023-07-21. Review status: criteria provided, single submitter. Criteria: Invitae Variant Classification Sherloc (09022015). Collection method: clinical testing. Allele origin: germline.
Comment: This variant has not been reported in the literature in individuals affected with PIK3R1-related conditions. Advanced modeling of protein sequence and biophysical properties (such as structural, functional, and spatial information, amino acid conservation, physicochemical variation, residue mobility, and thermodynamic stability) performed at Invitae indicates that this missense variant is not expected to disrupt PIK3R1 protein function. In summary, the available evidence is currently insufficient to determine the role of this variant in disease. Therefore, it has been classified as a Variant of Uncertain Significance. This variant is not present in population databases (gnomAD no frequency). This sequence change replaces asparagine, which is neutral and polar, with histidine, which is basic and polar, at codon 406 of the PIK3R1 protein (p.Asn406His).

NM_181523.3(PIK3R1):c.1216A>C (p.Asn406His)

Gene: PIK3R1 (phosphoinositide-3-kinase regulatory subunit 1; plus strand). Cytogenetic location: 5q13.1.
Variant type: single nucleotide variant.
Coding change: c.1216A>C on transcript NM_181523.3 (MANE Select); coding-DNA position 1216, A replaced by C.
Protein change: p.Asn406His; replaces asparagine 406 with histidine.
Molecular consequence: missense variant.
Genome position (GRCh38, 1-based): chr5:68,293,400, A>C. VCF-style: chr5-68293400-A-C. GRCh37 (hg19) VCF-style: chr5-67589228-A-C.
Other names: c.127A>C, p.Asn43His (NM_001242466.2); c.406A>C, p.Asn136His (NM_181504.4); c.316A>C, p.Asn106His (NM_181524.2); short protein forms N43H, N136H, N106H, N406H.
Identifiers: ClinVar variation 2925462 (VCV002925462.3), dbSNP rs1747500559, ClinGen allele CA359879696.